The following is an entry in ClinVar:

ClinVar aggregate classification (germline): Likely benign (0 of 4 stars; one submission).

Conditions:
RNF212-related disorder. Also called: RNF212-related condition.

gnomAD v4.1: 19 of 987,812 alleles (0.0019%); highest among the groups gnomAD compares: African/African-American, 0.031%; no homozygotes.

Submission:

PreventionGenetics, part of Exact Sciences
Classification: Likely benign for RNF212-related condition. Last evaluated: 2023-10-13. Review status: no assertion criteria provided. Collection method: clinical testing. Allele origin: germline.
Comment: This variant is classified as likely benign based on ACMG/AMP sequence variant interpretation guidelines (Richards et al. 2015 PMID: 25741868, with internal and published modifications).

NM_001366919.1(RNF212):c.807G>A (p.Gln269=)

Gene: RNF212 (ring finger protein 212; minus strand). Cytogenetic location: 4p16.3.
Variant type: single nucleotide variant.
Coding change: c.807G>A on transcript NM_001366919.1; coding-DNA position 807, G replaced by A.
Protein change: p.Gln269=; no amino-acid change (glutamine 269 retained).
Molecular consequence: synonymous variant. On other transcripts: intron variant (1).
Genome position (GRCh38, 1-based): chr4:1,056,845, C>T on the plus strand (G>A on the coding strand, the complement: RNF212 is on the minus strand). VCF-style: chr4-1056845-C-T. GRCh37 (hg19) VCF-style: chr4-1050633-C-T.
Other names: c.648-342G>A (NM_001366918.1).
Identifiers: ClinVar variation 3029674 (VCV003029674.2), dbSNP rs899631668, ClinGen allele CA91154827.